The following is an entry in ClinVar:

NM_005529.7(HSPG2):c.4336G>T (p.Ala1446Ser)

Gene: HSPG2 (heparan sulfate proteoglycan 2; minus strand). Cytogenetic location: 1p36.12.
Variant type: single nucleotide variant.
Coding change: c.4336G>T on transcript NM_005529.7 (MANE Select); coding-DNA position 4336, G replaced by T.
Protein change: p.Ala1446Ser; replaces alanine 1446 with serine.
Molecular consequence: missense variant.
Genome position (GRCh38, 1-based): chr1:21,865,344, C>A on the plus strand (G>T on the coding strand, the complement: HSPG2 is on the minus strand). VCF-style: chr1-21865344-C-A. GRCh37 (hg19) VCF-style: chr1-22191837-C-A.
Other names: c.4339G>T, p.Ala1447Ser (NM_001291860.2); c.4336G>T (NM_005529.5); short protein forms A1446S, A1447S.
Identifiers: ClinVar variation 2873577 (VCV002873577.4), dbSNP rs1572279173, ClinGen allele CA338955973.

ClinVar aggregate classification (germline): Uncertain significance. Review status: criteria provided, multiple submitters, no conflicts (2 of 4 stars). 2 submissions from 2 submitters: Uncertain significance (2). Last evaluated 2025-03-01.

Conditions:
Inborn genetic diseases. Identifiers: MedGen C0950123, MeSH D030342.

Allele frequency attached by ClinVar (database versions not stated): gnomAD exomes below 0.00001.
gnomAD v4.1: 6 of 1,614,072 alleles (0.00037%); highest among the groups gnomAD compares: African/African-American, 0.0027%; no homozygotes.

Submissions (2):

Ambry Genetics
Classification: Uncertain significance for Inborn genetic diseases. Last evaluated: 2025-03-01. Review status: criteria provided, single submitter. Criteria: Ambry Variant Classification Scheme 2023. Collection method: clinical testing. Allele origin: germline.

Labcorp Genetics (formerly Invitae), Labcorp
Classification: Uncertain significance. Last evaluated: 2024-06-10. Review status: criteria provided, single submitter. Criteria: Invitae Variant Classification Sherloc (09022015). Collection method: clinical testing. Allele origin: germline.
Comment: This sequence change replaces alanine, which is neutral and non-polar, with serine, which is neutral and polar, at codon 1446 of the HSPG2 protein (p.Ala1446Ser). This variant is not present in population databases (gnomAD no frequency). This variant has not been reported in the literature in individuals affected with HSPG2-related conditions. An algorithm developed to predict the effect of missense changes on protein structure and function (PolyPhen-2) suggests that this variant is likely to be disruptive. In summary, the available evidence is currently insufficient to determine the role of this variant in disease. Therefore, it has been classified as a Variant of Uncertain Significance.